The following is an entry in ClinVar:

NM_017654.4(SAMD9):c.3058A>G (p.Thr1020Ala)

Gene: SAMD9 (sterile alpha motif domain containing 9; minus strand). Cytogenetic location: 7q21.2.
Variant type: single nucleotide variant.
Coding change: c.3058A>G on transcript NM_017654.4 (MANE Select); coding-DNA position 3058, A replaced by G.
Protein change: p.Thr1020Ala; replaces threonine 1020 with alanine.
Molecular consequence: missense variant.
Genome position (GRCh38, 1-based): chr7:93,103,040, T>C on the plus strand (A>G on the coding strand, the complement: SAMD9 is on the minus strand). VCF-style: chr7-93103040-T-C. GRCh37 (hg19) VCF-style: chr7-92732353-T-C.
Other names: c.3058A>G, p.Thr1020Ala (NM_001193307.2); short protein forms T1020A.
Identifiers: ClinVar variation 3371859 (VCV003371859.1).

ClinVar aggregate classification (germline): Uncertain significance (1 of 4 stars; one submission).

Submission:

GeneDx
Classification: Uncertain significance. Last evaluated: 2024-04-02. Review status: criteria provided, single submitter. Criteria: GeneDx Variant Classification Process June 2021. Collection method: clinical testing. Allele origin: germline. Affected: yes.
Comment: Not observed at significant frequency in large population cohorts (gnomAD); In silico analysis supports that this missense variant does not alter protein structure/function; Has not been previously published as pathogenic or benign to our knowledge; This variant is associated with the following publications: (PMID: 28545555)